The following is an entry in ClinVar:

NM_018669.6(WDR4):c.5C>A (p.Ala2Glu)

Gene: WDR4 (WDR4 tRNA N7-guanosine methyltransferase non-catalytic subunit; minus strand). Cytogenetic location: 21q22.3.
Variant type: single nucleotide variant.
Coding change: c.5C>A on transcript NM_018669.6 (MANE Select); coding-DNA position 5, C replaced by A.
Protein change: p.Ala2Glu; replaces alanine 2 with glutamic acid.
Molecular consequence: missense variant. On other transcripts: intron variant (1), 5 prime UTR variant (2).
Genome position (GRCh38, 1-based): chr21:42,879,491, G>T on the plus strand (C>A on the coding strand, the complement: WDR4 is on the minus strand). VCF-style: chr21-42879491-G-T. GRCh37 (hg19) VCF-style: chr21-44299601-G-T.
Other names: c.5C>A, p.Ala2Glu (NM_033661.5, NM_001260474.2); c.-298+22C>A (NM_001260476.2); c.-382C>A (NM_001260475.2); c.-797C>A (NM_001260477.2); short protein forms A2E.
Identifiers: ClinVar variation 4766114 (VCV004766114.1).
Genomic context (GRCh38, chr21:42,879,491, plus strand): 5'-AATCGGCTGCCGCCCCGCACCACCAACGTCTGCCCGCACAACGCCAGTCCCACAGAGCCC[G>T]CCATGTACCCGCCCGCCTCACCGCCATACACATGTGCCAGCCCAGAGCCTCTTCCTGTCC-3'
Protein context (NP_061139.2, residues 1-12): M[Ala2Glu]GSVGLALCGQ

ClinVar aggregate classification (germline): Uncertain significance (1 of 4 stars; one submission).

gnomAD v4.1: 8 of 1,613,112 alleles (0.0005%); highest among the groups gnomAD compares: Middle Eastern, 0.017%; 1 homozygote.

Submission:

Labcorp Genetics (formerly Invitae), Labcorp
Classification: Uncertain significance. Last evaluated: 2025-08-11. Review status: criteria provided, single submitter. Criteria: Invitae Variant Classification Sherloc (09022015). Collection method: clinical testing. Allele origin: germline.
Comment: This sequence change replaces alanine, which is neutral and non-polar, with glutamic acid, which is acidic and polar, at codon 2 of the WDR4 protein (p.Ala2Glu). The frequency data for this variant in the population databases is considered unreliable, as metrics indicate poor data quality at this position in the gnomAD database. This variant has not been reported in the literature in individuals affected with WDR4-related conditions. An algorithm developed to predict the effect of missense changes on protein structure and function (PolyPhen-2) suggests that this variant is likely to be disruptive. In summary, the available evidence is currently insufficient to determine the role of this variant in disease. Therefore, it has been classified as a Variant of Uncertain Significance.